The following is an entry in ClinVar:

ClinVar aggregate classification (germline): Uncertain significance (1 of 4 stars; one submission).

Conditions:
Muscular dystrophy-dystroglycanopathy (congenital with brain and eye anomalies), type a, 8 (MDDGA8). Also called: WALKER-WARBURG SYNDROME OR MUSCLE-EYE-BRAIN DISEASE, GTDC2-RELATED. Identifiers: Orphanet 899, MedGen C3553813, MONDO:0013904, OMIM 614830.

Submission:

Labcorp Genetics (formerly Invitae), Labcorp
Classification: Uncertain significance for Muscular dystrophy-dystroglycanopathy (congenital with brain and eye anomalies), type a, 8. Last evaluated: 2022-03-30. Review status: criteria provided, single submitter. Criteria: Invitae Variant Classification Sherloc (09022015). Collection method: clinical testing. Allele origin: germline.
Comment: In summary, the available evidence is currently insufficient to determine the role of this variant in disease. Therefore, it has been classified as a Variant of Uncertain Significance. Algorithms developed to predict the effect of missense changes on protein structure and function are either unavailable or do not agree on the potential impact of this missense change (SIFT: "Deleterious"; PolyPhen-2: "Possibly Damaging"; Align-GVGD: "Class C0"). This variant has not been reported in the literature in individuals affected with POMGNT2-related conditions. This variant is not present in population databases (gnomAD no frequency). This sequence change replaces methionine, which is neutral and non-polar, with leucine, which is neutral and non-polar, at codon 386 of the POMGNT2 protein (p.Met386Leu).

NM_032806.6(POMGNT2):c.1156A>T (p.Met386Leu)

Gene: POMGNT2 (protein O-linked mannose N-acetylglucosaminyltransferase 2 (beta 1,4-); minus strand). Cytogenetic location: 3p22.1.
Variant type: single nucleotide variant.
Coding change: c.1156A>T on transcript NM_032806.6 (MANE Select); coding-DNA position 1156, A replaced by T.
Protein change: p.Met386Leu; replaces methionine 386 with leucine.
Molecular consequence: missense variant.
Genome position (GRCh38, 1-based): chr3:43,080,276, T>A on the plus strand (A>T on the coding strand, the complement: POMGNT2 is on the minus strand). VCF-style: chr3-43080276-T-A. GRCh37 (hg19) VCF-style: chr3-43121768-T-A.
Other names: short protein forms M386L.
Identifiers: ClinVar variation 2119706 (VCV002119706.4), dbSNP rs2528895396, ClinGen allele CA352301734.